The following is an entry in ClinVar:

NM_004415.4(DSP):c.8547C>A (p.Ser2849Arg)

Gene: DSP (desmoplakin; plus strand). Cytogenetic location: 6p24.3.
Variant type: single nucleotide variant.
Coding change: c.8547C>A on transcript NM_004415.4 (MANE Select); coding-DNA position 8547, C replaced by A.
Protein change: p.Ser2849Arg; replaces serine 2849 with arginine.
Molecular consequence: missense variant.
Genome position (GRCh38, 1-based): chr6:7,585,809, C>A. VCF-style: chr6-7585809-C-A. GRCh37 (hg19) VCF-style: chr6-7586042-C-A.
Other names: c.6750C>A, p.Ser2250Arg (NM_001008844.3); c.7218C>A, p.Ser2406Arg (NM_001319034.2); short protein forms S2250R, S2406R, S2849R.
Identifiers: ClinVar variation 4757077 (VCV004757077.1).

ClinVar aggregate classification (germline): Uncertain significance (1 of 4 stars; one submission).

Conditions:
Cardiomyopathy (CMYO). Also called: Cardiomyopathies. Identifiers: Orphanet 167848, MedGen C0878544, MONDO:0004994, HP:0001638. Inheritance: Various modes of inheritance.

Submission:

Color Diagnostics, LLC DBA Color Health
Classification: Uncertain significance for Cardiomyopathy. Last evaluated: 2025-06-09. Review status: criteria provided, single submitter. Criteria: ACMG Guidelines, 2015. Collection method: clinical testing. Allele origin: germline.
Comment: This missense variant replaces serine with arginine at codon 2849 of the DSP protein. Computational prediction is inconclusive regarding the impact of this variant on protein structure and function. To our knowledge, functional studies have not been reported for this variant. This variant has not been reported in individuals affected with DSP-related disorders in the literature. This variant has not been identified in the general population by the Genome Aggregation Database (gnomAD). The available evidence is insufficient to determine the role of this variant in disease conclusively. Therefore, this variant is classified as a Variant of Uncertain Significance.